The following is an entry in ClinVar:

ClinVar aggregate classification (germline): Conflicting classifications of pathogenicity. Review status: criteria provided, conflicting classifications (1 of 4 stars). 4 submissions from 4 submitters: Likely pathogenic (1); Uncertain significance (3). Last evaluated 2024-08-21.

Conditions:
Leukodystrophy, hypomyelinating, 2. Also called: PELIZAEUS-MERZBACHER-LIKE DISEASE, 1. Identifiers: Orphanet 280270, Orphanet 280282, MedGen C1837355, MONDO:0012125, OMIM 608804.
Spastic paraplegia. Identifiers: MedGen C0037772, HP:0001258.

Allele frequency attached by ClinVar (database versions not stated): gnomAD exomes below 0.00001; TOPMed below 0.00001.
gnomAD v4.1: 3 of 1,612,544 alleles (0.00019%); highest among the groups gnomAD compares: Admixed American, 0.0017%; no homozygotes.

Submissions (4):

GeneDx
Classification: Uncertain significance. Last evaluated: 2024-08-21. Review status: criteria provided, single submitter. Criteria: GeneDx Variant Classification Process June 2021. Collection method: clinical testing. Allele origin: germline. Affected: yes.
Comment: Not observed at significant frequency in large population cohorts (gnomAD); In silico analysis supports that this missense variant has a deleterious effect on protein structure/function; Has not been previously published as pathogenic or benign to our knowledge

Labcorp Genetics (formerly Invitae), Labcorp
Classification: Uncertain significance for Spastic paraplegia. Last evaluated: 2024-06-17. Review status: criteria provided, single submitter. Criteria: Invitae Variant Classification Sherloc (09022015). Collection method: clinical testing. Allele origin: germline.
Comment: This sequence change replaces arginine, which is basic and polar, with proline, which is neutral and non-polar, at codon 247 of the GJC2 protein (p.Arg247Pro). This variant is present in population databases (no rsID available, gnomAD 0.003%). This variant has not been reported in the literature in individuals affected with GJC2-related conditions. ClinVar contains an entry for this variant (Variation ID: 391151). Advanced modeling of protein sequence and biophysical properties (such as structural, functional, and spatial information, amino acid conservation, physicochemical variation, residue mobility, and thermodynamic stability) has been performed at Invitae for this missense variant, however the output from this modeling did not meet the statistical confidence thresholds required to predict the impact of this variant on GJC2 protein function. In summary, the available evidence is currently insufficient to determine the role of this variant in disease. Therefore, it has been classified as a Variant of Uncertain Significance.

Blueprint Genetics
Classification: Uncertain significance. Last evaluated: 2022-07-15. Review status: criteria provided, single submitter. Criteria: ACMG Guidelines, 2015. Collection method: clinical testing. Allele origin: germline.

Molecular Diagnostics Lab, Nemours Children's Health, Delaware
Classification: Likely pathogenic for Leukodystrophy, hypomyelinating, 2. Last evaluated: 2021-04-13. Review status: criteria provided, single submitter. Criteria: ACMG Guidelines, 2015. Collection method: clinical testing. Allele origin: maternal, paternal, unknown. Inheritance: Autosomal recessive inheritance. Affected: yes and no. Observed: 1 heterozygote, 2 compound heterozygotes.
Comment: This missense variant (c.740G>C, p.Arg247Pro) was observed at an extremely low frequency in population databases (gnomAD). It has not been described in the literature. Variant prediction programs suggest the change has a deleterious effect, but functional studies have not been published.

NM_020435.4(GJC2):c.740G>C (p.Arg247Pro)

Gene: GJC2 (gap junction protein gamma 2; plus strand). Cytogenetic location: 1q42.13.
Variant type: single nucleotide variant.
Coding change: c.740G>C on transcript NM_020435.4 (MANE Select); coding-DNA position 740, G replaced by C.
Protein change: p.Arg247Pro; replaces arginine 247 with proline.
Molecular consequence: missense variant.
Genome position (GRCh38, 1-based): chr1:228,158,498, G>C. VCF-style: chr1-228158498-G-C. GRCh37 (hg19) VCF-style: chr1-228346199-G-C.
Other names: short protein forms R247P.
Identifiers: ClinVar variation 391151 (VCV000391151.9), dbSNP rs1057523988, ClinGen allele CA16603567.